The following is an entry in ClinVar:

NM_016816.4(OAS1):c.1038+5G>A

Gene: OAS1 (2'-5'-oligoadenylate synthetase 1; plus strand). Cytogenetic location: 12q24.13.
Variant type: single nucleotide variant.
Coding change: c.1038+5G>A on transcript NM_016816.4 (MANE Select); 5 bases into the intron after coding-DNA position 1038, G replaced by A.
Molecular consequence: intron variant. On other transcripts: missense variant (3), non-coding transcript variant (2).
Genome position (GRCh38, 1-based): chr12:112,917,705, G>A. VCF-style: chr12-112917705-G-A. GRCh37 (hg19) VCF-style: chr12-113355510-G-A.
Other names: c.1019G>A, p.Arg340Lys (NM_001406024.1); c.569G>A, p.Arg190Lys (NM_001406030.1); c.1043G>A, p.Arg348Lys (NM_002534.4); c.1038+5G>A (NM_001320151.2, NM_001406022.1, NM_001032409.3); c.1014+5G>A (NM_001406025.1, NM_001406023.1, NM_001406021.1 and 1 more transcripts); c.564+5G>A (NM_001406029.1, NM_001406027.1, NM_001406026.1); short protein forms R190K, R340K, R348K.
Identifiers: ClinVar variation 3708865 (VCV003708865.2).
Genomic context (GRCh38, chr12:112,917,705, plus strand): 5'-ATTACCCATGCTTTAAGAATTGGGATGGGTCCCCAGTGAGCTCCTGGATTCTGCTGGTGA[G>A]ACCTCCTGCTTCCTCCCTGCCATTCATCCCTGCCCCTCTCCATGAAGCTTGAGACATATA-3'

ClinVar aggregate classification (germline): Uncertain significance (1 of 4 stars; one submission).

Submission:

Labcorp Genetics (formerly Invitae), Labcorp
Classification: Uncertain significance. Last evaluated: 2025-03-18. Review status: criteria provided, single submitter. Criteria: Invitae Variant Classification Sherloc (09022015). Collection method: clinical testing. Allele origin: germline.
Comment: This sequence change falls in intron 5 of the OAS1 gene. It does not directly change the encoded amino acid sequence of the OAS1 protein. It affects a nucleotide within the consensus splice site. This variant is not present in population databases (gnomAD no frequency). This variant has not been reported in the literature in individuals affected with OAS1-related conditions. Variants that disrupt the consensus splice site are a relatively common cause of aberrant splicing (PMID: 17576681, 9536098). Algorithms developed to predict the effect of sequence changes on RNA splicing suggest that this variant may disrupt the consensus splice site. In summary, the available evidence is currently insufficient to determine the role of this variant in disease. Therefore, it has been classified as a Variant of Uncertain Significance.

Literature cited by the submitters: PubMed 17576681; PubMed 9536098.